The following is an entry in ClinVar:

NM_000135.4(FANCA):c.4279G>T (p.Asp1427Tyr)

Genes: FANCA (FA complementation group A; minus strand), ZNF276 (zinc finger protein 276; plus strand). Cytogenetic location: 16q24.3.
Variant type: single nucleotide variant.
Coding change: c.4279G>T on transcript NM_000135.4 (MANE Select); coding-DNA position 4279, G replaced by T.
Protein change: p.Asp1427Tyr; replaces aspartic acid 1427 with tyrosine.
Molecular consequence: missense variant. On other transcripts: 3 prime UTR variant (3), non-coding transcript variant (4).
Genome position (GRCh38, 1-based): chr16:89,738,690, C>A on the plus strand (G>T on the coding strand, the complement: FANCA is on the minus strand). VCF-style: chr16-89738690-C-A. GRCh37 (hg19) VCF-style: chr16-89805098-C-A.
Other names: c.*8G>T (NM_001286167.3); c.*444C>A (NM_001113525.2, NM_152287.4); short protein forms D1427Y.
Identifiers: ClinVar variation 4870928 (VCV004870928.1).
Genomic context (GRCh38, chr16:89,738,690, plus strand): 5'-CAGCGTCAGGGGCAGCCTGCTGTCTGCTCTGGAGGGCGGCGCTCACCTCTGGGTCGCAGT[C>A]CCCACGATCAGCCAGCAGCTGTGAGAGAGGAGCAGGTCCTCAGCCCATGCCGCCCACTAG-3'
Protein context (NP_000126.2, residues 1417-1437): HVAELLADRG[Asp1427Tyr]CDPEVSAALQ

ClinVar aggregate classification (germline): Uncertain significance (1 of 4 stars; one submission).

Conditions:
Inborn genetic diseases. Identifiers: MedGen C0950123, MeSH D030342.

gnomAD v4.1: 1 of 1,613,944 alleles (0.000062%); highest among the groups gnomAD compares: South Asian, 0.0011%; no homozygotes.

Submission:

Ambry Genetics
Classification: Uncertain significance for Inborn genetic diseases. Last evaluated: 2026-06-14. Review status: criteria provided, single submitter. Criteria: Ambry Variant Classification Scheme 2023. Collection method: clinical testing. Allele origin: germline.
Comment: The p.D1427Y variant (also known as c.4279G>T), located in coding exon 43 of the FANCA gene, results from a G to T substitution at nucleotide position 4279. The aspartic acid at codon 1427 is replaced by tyrosine, an amino acid with highly dissimilar properties. This amino acid position is conserved. In addition, the in silico prediction for this alteration is inconclusive. Based on the available evidence, the clinical significance of this variant remains unclear.